The following is an entry in ClinVar:

ClinVar aggregate classification (germline): Conflicting classifications of pathogenicity. Review status: criteria provided, conflicting classifications (1 of 4 stars). 6 submissions from 6 submitters: Uncertain significance (5); Likely benign (1). Last evaluated 2026-03-04.

Conditions:
Cardiovascular phenotype. Identifiers: MedGen CN230736.
TTN-related disorder. Also called: TTN-related condition; TTN-related disease; TTN-related disorders.

Allele frequency attached by ClinVar (database versions not stated): ExAC 0.00002; gnomAD exomes 0.00004 and 0.00011; TOPMed 0.00005; gnomAD 0.00006.
gnomAD v4.1: 173 of 1,613,616 alleles (0.011%); highest among the groups gnomAD compares: Non-Finnish European, 0.013%; no homozygotes.

Submissions (6):

PreventionGenetics, part of Exact Sciences
Classification: Uncertain significance for TTN-related condition. Last evaluated: 2026-03-04. Review status: criteria provided, single submitter. Criteria: ACMG Guidelines, 2015. Collection method: clinical testing. Allele origin: germline.
Comment: The TTN c.84652G>A variant is predicted to result in the amino acid substitution p.Gly28218Ser. This variant has been reported as uncertain in an individual with left ventricular hypertrophy, coronary atherosclerosis, and myocardial fibrosis who experienced sudden cardiac death (reported as c.76948G>A, p.Gly25650Ser in transcript NM_133378, Iglesias et al. 2021. PubMed ID: 33919104). This variant is reported in 0.0071% of alleles in individuals of European (Non-Finnish) descent in gnomAD. Although we suspect that this variant may be benign, at this time, the clinical significance of this variant is uncertain due to the absence of conclusive functional and genetic evidence.

Mayo Clinic Laboratories, Mayo Clinic
Classification: Uncertain significance. Last evaluated: 2025-10-21. Review status: criteria provided, single submitter. Criteria: ACMG Guidelines, 2015. Collection method: clinical testing. Allele origin: germline. Observed: 1 variant allele.

GeneDx
Classification: Likely benign. Last evaluated: 2020-12-18. Review status: criteria provided, single submitter. Criteria: GeneDx Variant Classification Process June 2021. Collection method: clinical testing. Allele origin: germline. Affected: yes.

Ambry Genetics
Classification: Uncertain significance for Cardiovascular phenotype. Last evaluated: 2019-10-01. Review status: criteria provided, single submitter. Criteria: Ambry Variant Classification Scheme 2023. Collection method: clinical testing. Allele origin: germline.
Comment: The p.G19153S variant (also known as c.57457G>A), located in coding exon 153 of the TTN gene, results from a G to A substitution at nucleotide position 57457. The glycine at codon 19153 is replaced by serine, an amino acid with similar properties. This amino acid position is highly conserved in available vertebrate species. In addition, this alteration is predicted to be tolerated by in silico analysis. Since supporting evidence is limited at this time, the clinical significance of this alteration remains unclear.

Revvity Omics, Revvity
Classification: Uncertain significance. Last evaluated: 2019-06-27. Review status: criteria provided, single submitter. Criteria: ACMG Guidelines, 2015. Collection method: clinical testing. Allele origin: germline.

Laboratory for Molecular Medicine, Mass General Brigham Personalized Medicine
Classification: Uncertain significance. Last evaluated: 2013-08-02. Review status: criteria provided, single submitter. Criteria: LMM Criteria. Collection method: clinical testing. Allele origin: germline. Observed: 1 variant allele.
Comment: The Gly25650Ser variant in TTN has not been reported in individuals with cardiom yopathy or in large population studies. Computational analysis (biochemical ami no acid properties, conservation, AlignGVGD, PolyPhen2, and SIFT) do not provide strong support for or against an impact to the protein. Additional information is needed to fully assess the clinical significant of the Gly25650Ser variant.

Literature cited by the submitters: PubMed 33919104 (cited by Mayo Clinic Laboratories, Mayo Clinic).

NM_001267550.2(TTN):c.84652G>A (p.Gly28218Ser)

Genes: TTN (titin; minus strand), TTN-AS1 (TTN antisense RNA 1; plus strand). Cytogenetic location: 2q31.2.
Variant type: single nucleotide variant.
Coding change: c.84652G>A on transcript NM_001267550.2 (MANE Select); coding-DNA position 84652, G replaced by A.
Protein change: p.Gly28218Ser; replaces glycine 28218 with serine.
Molecular consequence: missense variant.
Genome position (GRCh38, 1-based): chr2:178,561,480, C>T on the plus strand (G>A on the coding strand, the complement: TTN is on the minus strand). VCF-style: chr2-178561480-C-T. GRCh37 (hg19) VCF-style: chr2-179426207-C-T.
Other names: p.Gly26577Ser; c.76948G>A, p.Gly25650Ser (NM_133378.4); c.79729G>A, p.Gly26577Ser (NM_001256850.1); c.57457G>A, p.Gly19153Ser (NM_003319.4); c.57832G>A, p.Gly19278Ser (NM_133432.3); c.58033G>A, p.Gly19345Ser (NM_133437.4); short protein forms G25650S, G28218S, G19153S, G19278S, G19345S, G26577S.
Identifiers: ClinVar variation 179183 (VCV000179183.15), dbSNP rs727504693, ClinGen allele CA183896.